The following is an entry in ClinVar:

ClinVar aggregate classification (germline): Benign (0 of 4 stars; one submission).

Conditions:
DNMBP-related disorder. Also called: DNMBP-related condition.

Allele frequency attached by ClinVar (database versions not stated): 1000 Genomes Project 0.00958; 1000 Genomes Project 30x 0.01031; TOPMed 0.01544; gnomAD 0.01711; ESP Exome Variant Server 0.01791; ExAC 0.01871; gnomAD exomes 0.02328.
gnomAD v4.1: 36,284 of 1,609,802 alleles (2.3%); highest among the groups gnomAD compares: Non-Finnish European, 2.6%; 435 homozygotes.

Submission:

PreventionGenetics, part of Exact Sciences
Classification: Benign for DNMBP-related condition. Last evaluated: 2019-02-21. Review status: no assertion criteria provided. Collection method: clinical testing. Allele origin: germline.
Comment: This variant is classified as benign based on ACMG/AMP sequence variant interpretation guidelines (Richards et al. 2015 PMID: 25741868, with internal and published modifications).

NM_015221.4(DNMBP):c.4725G>A (p.Glu1575=)

Gene: DNMBP (dynamin binding protein; minus strand). Cytogenetic location: 10q24.2.
Variant type: single nucleotide variant.
Coding change: c.4725G>A on transcript NM_015221.4 (MANE Select); coding-DNA position 4725, G replaced by A.
Protein change: p.Glu1575=; no amino-acid change (glutamic acid 1575 retained).
Molecular consequence: synonymous variant.
Genome position (GRCh38, 1-based): chr10:99,877,160, C>T on the plus strand (G>A on the coding strand, the complement: DNMBP is on the minus strand). VCF-style: chr10-99877160-C-T. GRCh37 (hg19) VCF-style: chr10-101636917-C-T.
Other names: c.3621G>A, p.Glu1207= (NM_001318326.2); c.2463G>A, p.Glu821= (NM_001318327.2).
Identifiers: ClinVar variation 3038273 (VCV003038273.2), dbSNP rs11190304, ClinGen allele CA5644219.
Genomic context (GRCh38, chr10:99,877,160, plus strand): 5'-TCGGCGGACTGAAAGCAAAGGCAGCAAGGCTGGGTGGCAGGCAACGTGGGCTCAGGTGTA[C>T]TCGGTTTTGCGGATATAATTGGAGGGAACGTAGCCCTTCTTCCCGTTAACCTCAGCTAAC-3'
Protein context (NP_056036.1, residues 1565-1577): YVPSNYIRKT[Glu1575=]YT